The following is an entry in ClinVar:

ClinVar aggregate classification (germline): Uncertain significance. Review status: criteria provided, multiple submitters, no conflicts (2 of 4 stars). 2 submissions from 2 submitters: Uncertain significance (2). Last evaluated 2019-10-31.

Conditions:
Hypertrophic cardiomyopathy. Also called: HYPERTROPHIC MYOCARDIOPATHY. Identifiers: Orphanet 217569, MedGen C0007194, MeSH D002312, MONDO:0005045, HP:0001639.

Submissions (2):

Blueprint Genetics
Classification: Uncertain significance. Last evaluated: 2019-10-31. Review status: criteria provided, single submitter. Criteria: ACMG Guidelines, 2015. Collection method: clinical testing. Allele origin: germline.

Labcorp Genetics (formerly Invitae), Labcorp
Classification: Uncertain significance for Hypertrophic cardiomyopathy. Last evaluated: 2019-02-13. Review status: criteria provided, single submitter. Criteria: Invitae Variant Classification Sherloc (09022015). Collection method: clinical testing. Allele origin: germline.
Comment: This variant has been observed in an individual affected with left ventricular noncompaction (PMID: 20530761). This variant is not present in population databases (ExAC no frequency). This variant, c.4048_4050del, results in the deletion of 1 amino acid(s) of the MYH7 protein (p.Glu1350del), but otherwise preserves the integrity of the reading frame. Experimental studies and prediction algorithms are not available for this variant, and the functional significance of the affected amino acid(s) is currently unknown. In summary, the available evidence is currently insufficient to determine the role of this variant in disease. Therefore, it has been classified as a Variant of Uncertain Significance.

Literature cited by the submitters: PubMed 20530761 (cited by Labcorp Genetics (formerly Invitae), Labcorp).

NM_000257.4(MYH7):c.4042GAG[2] (p.Glu1350del)

Gene: MYH7 (myosin heavy chain 7; minus strand). Cytogenetic location: 14q11.2.
Variant type: Microsatellite.
Coding change: c.4042GAG[2] on transcript NM_000257.4 (MANE Select); two copies in a row of the 3-base unit GAG starting at c.4042; the reference has three copies in a row; one copy, 3 bases deleted.
Protein change: p.Glu1350del; deletes glutamic acid 1350.
Molecular consequence: inframe deletion.
Genome position (GRCh38, 1-based): chr14:23,418,329-23,418,331, CTC deleted on the plus strand (GAG on the coding strand, the reverse complement: MYH7 is on the minus strand); deleting any 3 consecutive bases within chr14:23,418,329-23,418,337 gives the same sequence; the position shown is the placement nearest the transcript's 3' end. VCF-style (leftmost placement, unchanged base first): chr14-23418328-TCTC-T. GRCh37 (hg19) VCF-style: chr14-23887537-TCTC-T.
Other names: short protein forms E1350del.
Identifiers: ClinVar variation 836216 (VCV000836216.10), dbSNP rs1892314995, ClinGen allele CA913184874.
Genomic context (GRCh38, chr14:23,418,328, plus strand): 5'-ACTGGGCCACCTCCGAGTTGGCCTTGGAAAGGACGCGCTGCAGCTCGGCCTTGGCCTCCG[TCTC>T]CTCCTCGTACTGCTCCCGCAGCAGGTCGCAGTCATGCCGGGCCGACTGCAGTGCGTGGGC-3'